The following is an entry in ClinVar:

ClinVar aggregate classification (germline): Benign. Review status: criteria provided, multiple submitters, no conflicts (2 of 4 stars). 2 submissions from 2 submitters: Benign (2). Last evaluated 2018-01-13.

Conditions:
Diabetes insipidus, nephrogenic, autosomal (NDI2). Also called: Nephrogenic Diabetes Insipidus, Type II; Diabetes insipidus, nephrogenic, 2, autosomal. Identifiers: Orphanet 223, MedGen C1563706, MONDO:0007451, OMIM 125800.

Allele frequency attached by ClinVar (database versions not stated): gnomAD 0.13262 and 0.14070; TOPMed 0.15073; 1000 Genomes Project 30x 0.23157; 1000 Genomes Project 0.23423.

Submissions (2):

Illumina Laboratory Services, Illumina
Classification: Benign for Diabetes insipidus, nephrogenic, autosomal. Last evaluated: 2018-01-13. Review status: criteria provided, single submitter. Criteria: ICSL Variant Classification Criteria 13 December 2019. Collection method: clinical testing. Allele origin: germline.
Comment: This variant was observed in the ICSL laboratory as part of a predisposition screen in an ostensibly healthy population. It had not been previously curated by ICSL or reported in the Human Gene Mutation Database (HGMD: prior to June 1st, 2018), and was therefore a candidate for classification through an automated scoring system. Utilizing variant allele frequency, disease prevalence and penetrance estimates, and inheritance mode, an automated score was calculated to assess if this variant is too frequent to cause the disease. Based on the score and internal cut-off values, a variant classified as benign is not then subjected to further curation. The score for this variant resulted in a classification of benign for this disease.

Breakthrough Genomics
Classification: Benign. Review status: criteria provided, single submitter. Criteria: ACMG Guidelines, 2015. Collection method: not provided. Allele origin: germline. Inheritance: Autosomal dominant inheritance. Affected: yes.

NM_000486.6(AQP2):c.*3168T>C

Genes: AQP2 (aquaporin 2; plus strand), AQP5-AS1 (AQP5 and AQP2 antisense RNA 2; minus strand). Cytogenetic location: 12q13.12.
Variant type: single nucleotide variant.
Coding change: c.*3168T>C on transcript NM_000486.6 (MANE Select); 3168 bases downstream of the stop codon, T replaced by C.
Molecular consequence: 3 prime UTR variant.
Genome position (GRCh38, 1-based): chr12:49,958,776, T>C. VCF-style: chr12-49958776-T-C. GRCh37 (hg19) VCF-style: chr12-50352559-T-C.
Identifiers: ClinVar variation 309274 (VCV000309274.6), dbSNP rs2878772, ClinGen allele CA10633061.